The following is an entry in ClinVar:

ClinVar aggregate classification (germline): Pathogenic/Likely pathogenic. Review status: criteria provided, multiple submitters, no conflicts (2 of 4 stars). 2 submissions from 2 submitters: Pathogenic (1); Likely pathogenic (1). Last evaluated 2023-10-01.

Conditions:
Retinal dystrophy. Also called: Inherited retinal dystrophy. Identifiers: Orphanet 71862, MedGen C0854723, MeSH D058499, MONDO:0019118, HP:0000556.

Submissions (2):

Dept Of Ophthalmology, Nagoya University
Classification: Pathogenic for Retinal dystrophy. Last evaluated: 2023-10-01. Review status: criteria provided, single submitter. Criteria: Submitter's publication. Collection method: research. Allele origin: germline. Affected: yes.

Labcorp Genetics (formerly Invitae), Labcorp
Classification: Likely pathogenic. Last evaluated: 2021-04-16. Review status: criteria provided, single submitter. Criteria: Invitae Variant Classification Sherloc (09022015). Collection method: clinical testing. Allele origin: germline.
Comment: Algorithms developed to predict the effect of sequence changes on RNA splicing suggest that this variant may disrupt the consensus splice site, but this prediction has not been confirmed by published transcriptional studies. This variant has not been reported in the literature in individuals with EYS-related conditions. This variant is not present in population databases (ExAC no frequency). This sequence change affects a donor splice site in intron 8 of the EYS gene. It is expected to disrupt RNA splicing and likely results in an absent or disrupted protein product. Donor and acceptor splice site variants typically lead to a loss of protein function (PMID: 16199547), and loss-of-function variants in EYS are known to be pathogenic (PMID: 18836446, 20333770). In summary, the currently available evidence indicates that the variant is pathogenic, but additional data are needed to prove that conclusively. Therefore, this variant has been classified as Likely Pathogenic.

Literature cited by the submitters: PubMed 16199547 (cited by Labcorp Genetics (formerly Invitae), Labcorp); PubMed 18836446 (cited by Labcorp Genetics (formerly Invitae), Labcorp); PubMed 20333770 (cited by Labcorp Genetics (formerly Invitae), Labcorp).

NM_001142800.2(EYS):c.1299+1G>T

Gene: EYS (EGF-like photoreceptor maintenance factor; minus strand). Cytogenetic location: 6q12.
Variant type: single nucleotide variant.
Coding change: c.1299+1G>T on transcript NM_001142800.2 (MANE Select); the canonical splice donor site of the intron after coding-DNA position 1299, G replaced by T.
Molecular consequence: splice donor variant.
Genome position (GRCh38, 1-based): chr6:65,384,385, C>A on the plus strand (G>T on the coding strand, the complement: EYS is on the minus strand). VCF-style: chr6-65384385-C-A. GRCh37 (hg19) VCF-style: chr6-66094278-C-A.
Other names: c.1299+1G>T (NM_001292009.2, NM_001142801.2, NM_198283.2).
Identifiers: ClinVar variation 1067154 (VCV001067154.8), dbSNP rs199830721, ClinGen allele CA364661970.